The following is an entry in ClinVar:

NM_001174096.2(ZEB1):c.998T>C (p.Ile333Thr)

Gene: ZEB1 (zinc finger E-box binding homeobox 1; plus strand). Cytogenetic location: 10p11.22.
Variant type: single nucleotide variant.
Coding change: c.998T>C on transcript NM_001174096.2 (MANE Select); coding-DNA position 998, T replaced by C.
Protein change: p.Ile333Thr; replaces isoleucine 333 with threonine.
Molecular consequence: missense variant.
Genome position (GRCh38, 1-based): chr10:31,520,330, T>C. VCF-style: chr10-31520330-T-C. GRCh37 (hg19) VCF-style: chr10-31809258-T-C.
Other names: c.947T>C, p.Ile316Thr (NM_001128128.3); c.935T>C, p.Ile312Thr (NM_001174093.2); c.944T>C, p.Ile315Thr (NM_001174094.2); c.794T>C, p.Ile265Thr (NM_001174095.2); c.341T>C, p.Ile114Thr (NM_001323638.2, NM_001323641.2, NM_001323642.2 and 27 more transcripts); c.773T>C, p.Ile258Thr (NM_001323674.2); c.731T>C, p.Ile244Thr (NM_001323675.2); c.956T>C, p.Ile319Thr (NM_001323676.2); and 4 more; short protein forms I114T, I241T, I244T, I258T, I265T, I312T, I315T, I316T.
Identifiers: ClinVar variation 1298478 (VCV001298478.39), dbSNP rs747652843, ClinGen allele CA5461586.

ClinVar aggregate classification (germline): Uncertain significance. Review status: criteria provided, multiple submitters, no conflicts (2 of 4 stars). 3 submissions from 3 submitters: Uncertain significance (3). Last evaluated 2025-06-14.

Conditions:
Inborn genetic diseases. Identifiers: MedGen C0950123, MeSH D030342.

Allele frequency attached by ClinVar (database versions not stated): ExAC 0.00002; gnomAD exomes 0.00003 and 0.00004; TOPMed 0.00003; gnomAD 0.00004.
gnomAD v4.1: 50 of 1,613,794 alleles (0.0031%); highest among the groups gnomAD compares: Non-Finnish European, 0.0042%; no homozygotes.

Submissions (3):

Labcorp Genetics (formerly Invitae), Labcorp
Classification: Uncertain significance. Last evaluated: 2025-06-14. Review status: criteria provided, single submitter. Criteria: Invitae Variant Classification Sherloc (09022015). Collection method: clinical testing. Allele origin: germline.
Comment: This sequence change replaces isoleucine, which is neutral and non-polar, with threonine, which is neutral and polar, at codon 332 of the ZEB1 protein (p.Ile332Thr). This variant is present in population databases (rs747652843, gnomAD 0.01%). This variant has not been reported in the literature in individuals affected with ZEB1-related conditions. ClinVar contains an entry for this variant (Variation ID: 1298478). Invitae Evidence Modeling of protein sequence and biophysical properties (such as structural, functional, and spatial information, amino acid conservation, physicochemical variation, residue mobility, and thermodynamic stability) indicates that this missense variant is not expected to disrupt ZEB1 protein function with a negative predictive value of 80%. In summary, the available evidence is currently insufficient to determine the role of this variant in disease. Therefore, it has been classified as a Variant of Uncertain Significance.

Ambry Genetics
Classification: Uncertain significance for Inborn genetic diseases. Last evaluated: 2024-01-16. Review status: criteria provided, single submitter. Criteria: Ambry Variant Classification Scheme 2023. Collection method: clinical testing. Allele origin: germline.

CeGaT Center for Human Genetics Tuebingen
Classification: Uncertain significance. Last evaluated: 2022-03-01. Review status: criteria provided, single submitter. Criteria: CeGaT Center For Human Genetics Tuebingen Variant Classification Criteria Version 2. Collection method: clinical testing. Allele origin: germline. Affected: yes. Observed: 2 variant alleles.